The following is an entry in ClinVar:

ClinVar aggregate classification (germline): Uncertain significance (1 of 4 stars; one submission).

Allele frequency attached by ClinVar (database versions not stated): gnomAD exomes below 0.00001 and 0.00001; TOPMed below 0.00001.
gnomAD v4.1: 20 of 1,608,444 alleles (0.0012%); highest among the groups gnomAD compares: Non-Finnish European, 0.0016%; no homozygotes.

Submission:

GeneDx
Classification: Uncertain significance. Last evaluated: 2020-01-27. Review status: criteria provided, single submitter. Criteria: GeneDx Variant Classification Process June 2021. Collection method: clinical testing. Allele origin: germline. Affected: yes.
Comment: Not observed at a significant frequency in large population cohorts (Lek et al., 2016); In silico analysis, which includes protein predictors and evolutionary conservation, supports a deleterious effect; Has not been previously published as pathogenic or benign to our knowledge

NM_001286577.2(C2CD3):c.2728T>C (p.Phe910Leu)

Gene: C2CD3 (C2 domain containing 3 centriole elongation regulator; minus strand). Cytogenetic location: 11q13.4.
Variant type: single nucleotide variant.
Coding change: c.2728T>C on transcript NM_001286577.2 (MANE Select); coding-DNA position 2728, T replaced by C.
Protein change: p.Phe910Leu; replaces phenylalanine 910 with leucine.
Molecular consequence: missense variant.
Genome position (GRCh38, 1-based): chr11:74,100,529, A>G on the plus strand (T>C on the coding strand, the complement: C2CD3 is on the minus strand). VCF-style: chr11-74100529-A-G. GRCh37 (hg19) VCF-style: chr11-73811574-A-G.
Other names: c.2728T>C, p.Phe910Leu (NM_015531.6); short protein forms F910L.
Identifiers: ClinVar variation 1315115 (VCV001315115.2), dbSNP rs1275947843, ClinGen allele CA381831525.